The following is an entry in ClinVar:

NM_001206744.2(TPO):c.2523C>T (p.Ser841=)

Genes: LALTOP (lung cancer associated lncRNA targeting TOP2A; minus strand), TPO (thyroid peroxidase; plus strand). Cytogenetic location: 2p25.3.
Variant type: single nucleotide variant.
Coding change: c.2523C>T on transcript NM_001206744.2 (MANE Select); coding-DNA position 2523, C replaced by T.
Protein change: p.Ser841=; no amino-acid change (serine 841 retained).
Molecular consequence: synonymous variant.
Genome position (GRCh38, 1-based): chr2:1,516,887, C>T. VCF-style: chr2-1516887-C-T. GRCh37 (hg19) VCF-style: chr2-1520659-C-T.
Other names: c.2523C>T (NM_000547.5); c.2523C>T, p.Ser841= (NM_000547.6); c.2352C>T, p.Ser784= (NM_001206745.2, NM_175719.4); c.2391C>T, p.Ser797= (NM_175721.3); c.2004C>T, p.Ser668= (NM_175722.3).
Identifiers: ClinVar variation 3015735 (VCV003015735.5), dbSNP rs367751257, ClinGen allele CA1512177.

ClinVar aggregate classification (germline): Likely benign. Review status: criteria provided, single submitter (1 of 4 stars). 2 submissions from 2 submitters: Likely benign (1). 1 of the submissions does not count toward it. Last evaluated 2024-03-16.

Conditions:
TPO-related disorder. Also called: TPO-related condition.

Allele frequency attached by ClinVar (database versions not stated): gnomAD 0.00001; TOPMed 0.00002; gnomAD exomes 0.00005; ExAC 0.00007; ESP Exome Variant Server 0.00008.
gnomAD v4.1: 73 of 1,613,808 alleles (0.0045%); highest among the groups gnomAD compares: Non-Finnish European, 0.0054%; no homozygotes.

Submissions (2):

Labcorp Genetics (formerly Invitae), Labcorp
Classification: Likely benign. Last evaluated: 2024-03-16. Review status: criteria provided, single submitter. Criteria: Invitae Variant Classification Sherloc (09022015). Collection method: clinical testing. Allele origin: germline.

PreventionGenetics, part of Exact Sciences
Classification: Likely benign for TPO-related condition. Last evaluated: 2019-06-18. Review status: no assertion criteria provided. Collection method: clinical testing. Allele origin: germline. Not counted in ClinVar's aggregate classification.
Comment: This variant is classified as likely benign based on ACMG/AMP sequence variant interpretation guidelines (Richards et al. 2015 PMID: 25741868, with internal and published modifications).